The following is an entry in ClinVar:

ClinVar aggregate classification (germline): Uncertain significance (1 of 4 stars; one submission).

Submission:

Labcorp Genetics (formerly Invitae), Labcorp
Classification: Uncertain significance. Last evaluated: 2022-08-16. Review status: criteria provided, single submitter. Criteria: Invitae Variant Classification Sherloc (09022015). Collection method: clinical testing. Allele origin: germline.
Comment: This sequence change replaces proline, which is neutral and non-polar, with cysteine, which is neutral and slightly polar, at codon 300 of the RIMS1 protein (p.Pro300Cys). Algorithms developed to predict the effect of missense changes on protein structure and function are either unavailable or do not agree on the potential impact of this missense change (SIFT: "Not Available"; PolyPhen-2: "Benign"; Align-GVGD: "Not Available"). ClinVar contains an entry for this variant (Variation ID: 1349779). This variant has not been reported in the literature in individuals affected with RIMS1-related conditions. Information on the frequency of this variant in the gnomAD database is not available, as this variant may be reported differently in the database. Algorithms developed to predict the effect of sequence changes on RNA splicing suggest that this variant may create or strengthen a splice site. In summary, the available evidence is currently insufficient to determine the role of this variant in disease. Therefore, it has been classified as a Variant of Uncertain Significance.

NM_014989.7(RIMS1):c.898_899delinsTG (p.Pro300Cys)

Gene: RIMS1 (regulating synaptic membrane exocytosis 1; plus strand). Cytogenetic location: 6q13.
Variant type: Indel.
Coding change: c.898_899delinsTG on transcript NM_014989.7 (MANE Select); coding-DNA positions 898 to 899, CC replaced by TG.
Protein change: p.Pro300Cys; replaces proline 300 with cysteine.
Molecular consequence: missense variant.
Genome position (GRCh38, 1-based): chr6:72,182,369-72,182,370, CC replaced by TG. VCF-style: chr6-72182369-CC-TG. GRCh37 (hg19) VCF-style: chr6-72892072-CC-TG.
Other names: short protein forms P300C.
Identifiers: ClinVar variation 1349779 (VCV001349779.6), dbSNP rs2153970143, ClinGen allele CA2573141100.